The following is an entry in ClinVar:

NM_015047.3(EMC1):c.488G>A (p.Trp163Ter)

Gene: EMC1 (ER membrane protein complex subunit 1; minus strand). Cytogenetic location: 1p36.13.
Variant type: single nucleotide variant.
Coding change: c.488G>A on transcript NM_015047.3 (MANE Select); coding-DNA position 488, G replaced by A.
Protein change: p.Trp163Ter; replaces tryptophan 163 with a stop codon.
Molecular consequence: nonsense.
Genome position (GRCh38, 1-based): chr1:19,242,366, C>T on the plus strand (G>A on the coding strand, the complement: EMC1 is on the minus strand). VCF-style: chr1-19242366-C-T. GRCh37 (hg19) VCF-style: chr1-19568860-C-T.
Other names: c.488G>A, p.Trp163Ter (NM_001271427.2, NM_001271428.2, NM_001375820.1 and 1 more transcripts); c.422G>A, p.Trp141Ter (NM_001271429.2); short protein forms W141*, W163*.
Identifiers: ClinVar variation 2105466 (VCV002105466.4), dbSNP rs1270538282, ClinGen allele CA338770513.
Genomic context (GRCh38, chr1:19,242,366, plus strand): 5'-AGAACGAGGCAGCTATTGCCTGTGAGCAGGCAGCCTTACCTTTCTGGGAGATGTTCCACC[C>T]ACTTGAGGTGCCCACTGGAGAGGTGATGGAGGGCAAGTGTAGTCTTCTTCAGGACTGCGA-3'

ClinVar aggregate classification (germline): Pathogenic (1 of 4 stars; one submission).

Allele frequency attached by ClinVar (database versions not stated): gnomAD exomes below 0.00001.

Submission:

Labcorp Genetics (formerly Invitae), Labcorp
Classification: Pathogenic. Last evaluated: 2024-12-02. Review status: criteria provided, single submitter. Criteria: Invitae Variant Classification Sherloc (09022015). Collection method: clinical testing. Allele origin: germline.
Comment: This sequence change creates a premature translational stop signal (p.Trp163*) in the EMC1 gene. It is expected to result in an absent or disrupted protein product. Loss-of-function variants in EMC1 are known to be pathogenic (PMID: 26572623, 26942288, 29271071). This variant is present in population databases (no rsID available, gnomAD 0.006%). This variant has not been reported in the literature in individuals affected with EMC1-related conditions. ClinVar contains an entry for this variant (Variation ID: 2105466). For these reasons, this variant has been classified as Pathogenic.

Literature cited by the submitters: PubMed 26572623; PubMed 26942288; PubMed 29271071.